The following is an entry in ClinVar:

NM_199420.4(POLQ):c.4430C>T (p.Pro1477Leu)

Gene: POLQ (DNA polymerase theta; minus strand). Cytogenetic location: 3q13.33.
Variant type: single nucleotide variant.
Coding change: c.4430C>T on transcript NM_199420.4 (MANE Select); coding-DNA position 4430, C replaced by T.
Protein change: p.Pro1477Leu; replaces proline 1477 with leucine.
Molecular consequence: missense variant.
Genome position (GRCh38, 1-based): chr3:121,488,501, G>A on the plus strand (C>T on the coding strand, the complement: POLQ is on the minus strand). VCF-style: chr3-121488501-G-A. GRCh37 (hg19) VCF-style: chr3-121207348-G-A.
Other names: short protein forms P1477L.
Identifiers: ClinVar variation 1740552 (VCV001740552.3), dbSNP rs754236799, ClinGen allele CA2562899.

ClinVar aggregate classification (germline): Uncertain significance (1 of 4 stars; one submission).

Allele frequency attached by ClinVar (database versions not stated): ExAC 0.00001; TOPMed 0.00002; gnomAD 0.00003.
gnomAD v4.1: 5 of 1,608,382 alleles (0.00031%); highest among the groups gnomAD compares: African/African-American, 0.0067%; no homozygotes.

Submission:

Ambry Genetics
Classification: Uncertain significance. Last evaluated: 2023-07-12. Review status: criteria provided, single submitter. Criteria: Ambry Variant Classification Scheme 2023. Collection method: clinical testing. Allele origin: germline.
Comment: The p.P1477L variant (also known as c.4430C>T), located in coding exon 16 of the POLQ gene, results from a C to T substitution at nucleotide position 4430. The proline at codon 1477 is replaced by leucine, an amino acid with similar properties. This amino acid position is conserved. In addition, this alteration is predicted to be tolerated by in silico analysis. Since supporting evidence is limited at this time, the clinical significance of this alteration remains unclear.